The following is an entry in ClinVar:

ClinVar aggregate classification (germline): Uncertain significance (1 of 4 stars; one submission).

Allele frequency attached by ClinVar (database versions not stated): TOPMed below 0.00001; gnomAD 0.00001.

Submission:

Laboratory for Molecular Medicine, Mass General Brigham Personalized Medicine
Classification: Uncertain significance. Last evaluated: 2012-11-27. Review status: criteria provided, single submitter. Criteria: LMM Criteria. Collection method: clinical testing. Allele origin: germline. Observed: 1 variant allele.
Comment: Alanine (Al a) at position 109 is not conserved and possibly not present in multiple mammals , and the change to Valine (Val) was predicted to be benign using a computationa l tool clinically validated by our laboratory. This tool's benign interpretation is estimated to be correct 89% of the time (Jordan 2011). In summary, additiona l studies are needed to fully assess its clinical significance.

NM_000256.3(MYBPC3):c.326C>T (p.Ala109Val)

Gene: MYBPC3 (myosin binding protein C3; minus strand). Cytogenetic location: 11p11.2.
Variant type: single nucleotide variant.
Coding change: c.326C>T on transcript NM_000256.3 (MANE Select); coding-DNA position 326, C replaced by T.
Protein change: p.Ala109Val; replaces alanine 109 with valine.
Molecular consequence: missense variant.
Genome position (GRCh38, 1-based): chr11:47,350,582, G>A on the plus strand (C>T on the coding strand, the complement: MYBPC3 is on the minus strand). VCF-style: chr11-47350582-G-A. GRCh37 (hg19) VCF-style: chr11-47372133-G-A.
Other names: short protein forms A109V.
Identifiers: ClinVar variation 42697 (VCV000042697.4), dbSNP rs397516011, ClinGen allele CA013736.